The following is an entry in ClinVar:

NM_001166108.2(PALLD):c.1965-12913A>C

Gene: PALLD (palladin, cytoskeletal associated protein; plus strand). Cytogenetic location: 4q32.3.
Variant type: single nucleotide variant.
Coding change: c.1965-12913A>C on transcript NM_001166108.2 (MANE Select); 12913 bases into the intron before coding-DNA position 1965, A replaced by C.
Molecular consequence: intron variant. On other transcripts: missense variant (1).
Genome position (GRCh38, 1-based): chr4:168,878,009, A>C. VCF-style: chr4-168878009-A-C. GRCh37 (hg19) VCF-style: chr4-169799160-A-C.
Other names: c.118A>C, p.Thr40Pro (NM_001166110.2); c.1965-12913A>C (NM_016081.4); c.819-12913A>C (NM_001166109.2); c.-157-12913A>C (NM_001367570.1, NM_001367568.1, NM_001367567.1 and 1 more transcripts); short protein forms T40P.
Identifiers: ClinVar variation 220214 (VCV000220214.10), dbSNP rs864622422, ClinGen allele CA349538.
Genomic context (GRCh38, chr4:168,878,009, plus strand): 5'-TACGCGCGCCCCAAGCAGTTCATCGCCGCGCAGAACCTCGGGCCCGCGTCGGGCCACGGC[A>C]CGCCGGCCTCCAGCCCCAGCTCGTCCAGCCTCCCGTCGCCCATGTCCCCGACGCCGAGGC-3'

ClinVar aggregate classification (germline): Uncertain significance. Review status: criteria provided, multiple submitters, no conflicts (2 of 4 stars). 2 submissions from 2 submitters: Uncertain significance (2). Last evaluated 2024-12-06.

Conditions:
Pancreatic adenocarcinoma. Identifiers: MedGen C0281361, MONDO:0006047, HP:0006725.

Allele frequency attached by ClinVar (database versions not stated): gnomAD 0.00003; gnomAD exomes 0.00006.
gnomAD v4.1: 79 of 1,497,234 alleles (0.0053%); highest among the groups gnomAD compares: Non-Finnish European, 0.0068%; no homozygotes.

Submissions (2):

Ambry Genetics
Classification: Uncertain significance. Last evaluated: 2024-12-06. Review status: criteria provided, single submitter. Criteria: Ambry Variant Classification Scheme 2023. Collection method: clinical testing. Allele origin: germline.
Comment: The p.T40P variant (also known as c.118A>C), located in coding exon 1 of the PALLD gene, results from an A to C substitution at nucleotide position 118. The threonine at codon 40 is replaced by proline, an amino acid with highly similar properties. This amino acid position is conserved. In addition, this alteration is predicted to be tolerated by in silico analysis. Based on the available evidence, the clinical significance of this variant remains unclear.

Labcorp Genetics (formerly Invitae), Labcorp
Classification: Uncertain significance for Pancreatic adenocarcinoma. Last evaluated: 2024-08-03. Review status: criteria provided, single submitter. Criteria: Invitae Variant Classification Sherloc (09022015). Collection method: clinical testing. Allele origin: germline.
Comment: This sequence change replaces threonine, which is neutral and polar, with proline, which is neutral and non-polar, at codon 40 of the PALLD protein (p.Thr40Pro). This variant is present in population databases (no rsID available, gnomAD 0.01%). This variant has not been reported in the literature in individuals affected with PALLD-related conditions. ClinVar contains an entry for this variant (Variation ID: 220214). An algorithm developed to predict the effect of missense changes on protein structure and function (PolyPhen-2) suggests that this variant is likely to be tolerated. In summary, the available evidence is currently insufficient to determine the role of this variant in disease. Therefore, it has been classified as a Variant of Uncertain Significance.